The following is an entry in ClinVar:

ClinVar aggregate classification (germline): Uncertain significance (1 of 4 stars; one submission).

Submission:

GeneDx
Classification: Uncertain significance. Last evaluated: 2023-05-17. Review status: criteria provided, single submitter. Criteria: GeneDx Variant Classification Process June 2021. Collection method: clinical testing. Allele origin: germline. Affected: yes.
Comment: Has not been previously published as pathogenic or benign to our knowledge; Not observed at significant frequency in large population cohorts (gnomAD); In silico analysis supports that this missense variant has a deleterious effect on protein structure/function

NM_002474.3(MYH11):c.1916T>C (p.Leu639Pro)

Gene: MYH11 (myosin heavy chain 11; minus strand). Cytogenetic location: 16p13.11.
Variant type: single nucleotide variant.
Coding change: c.1916T>C on transcript NM_002474.3 (MANE Select); coding-DNA position 1916, T replaced by C.
Protein change: p.Leu639Pro; replaces leucine 639 with proline.
Molecular consequence: missense variant.
Genome position (GRCh38, 1-based): chr16:15,750,280, A>G on the plus strand (T>C on the coding strand, the complement: MYH11 is on the minus strand). VCF-style: chr16-15750280-A-G. GRCh37 (hg19) VCF-style: chr16-15844137-A-G.
Other names: c.1937T>C, p.Leu646Pro (NM_001040113.2, NM_001040114.2); c.1916T>C, p.Leu639Pro (NM_022844.3); short protein forms L639P, L646P.
Identifiers: ClinVar variation 3343591 (VCV003343591.1).